The following is an entry in ClinVar:

NM_001082486.2(ACD):c.1357T>G (p.Ser453Ala)

Gene: ACD (ACD shelterin complex subunit and telomerase recruitment factor; minus strand). Cytogenetic location: 16q22.1.
Variant type: single nucleotide variant.
Coding change: c.1357T>G on transcript NM_001082486.2 (MANE Select); coding-DNA position 1357, T replaced by G.
Protein change: p.Ser453Ala; replaces serine 453 with alanine.
Molecular consequence: missense variant.
Genome position (GRCh38, 1-based): chr16:67,657,626, A>C on the plus strand (T>G on the coding strand, the complement: ACD is on the minus strand). VCF-style: chr16-67657626-A-C. GRCh37 (hg19) VCF-style: chr16-67691529-A-C.
Other names: c.1270T>G, p.Ser424Ala (NM_001410884.1); c.1348T>G, p.Ser450Ala (NM_022914.3); short protein forms S450A, S424A, S453A.
Identifiers: ClinVar variation 2452446 (VCV002452446.3), dbSNP rs2543595645, ClinGen allele CA396349551.

ClinVar aggregate classification (germline): Uncertain significance. Review status: criteria provided, multiple submitters, no conflicts (2 of 4 stars). 2 submissions from 2 submitters: Uncertain significance (2). Last evaluated 2025-08-14.

Conditions:
Inborn genetic diseases. Identifiers: MedGen C0950123, MeSH D030342.
Dyskeratosis congenita, autosomal dominant 6 (DKCA6). Identifiers: Orphanet 3322, MedGen C4225284, MONDO:0014690, OMIM 616553.

Submissions (2):

Labcorp Genetics (formerly Invitae), Labcorp
Classification: Uncertain significance for Dyskeratosis congenita, autosomal dominant 6. Last evaluated: 2025-08-14. Review status: criteria provided, single submitter. Criteria: Invitae Variant Classification Sherloc (09022015). Collection method: clinical testing. Allele origin: germline.
Comment: This sequence change replaces serine, which is neutral and polar, with alanine, which is neutral and non-polar, at codon 539 of the ACD protein (p.Ser539Ala). This variant is not present in population databases (gnomAD no frequency). This variant has not been reported in the literature in individuals affected with ACD-related conditions. ClinVar contains an entry for this variant (Variation ID: 2452446). An algorithm developed to predict the effect of missense changes on protein structure and function outputs the following: PolyPhen-2: "Benign". The alanine amino acid residue is found in multiple mammalian species, which suggests that this missense change does not adversely affect protein function. In summary, the available evidence is currently insufficient to determine the role of this variant in disease. Therefore, it has been classified as a Variant of Uncertain Significance.

Ambry Genetics
Classification: Uncertain significance for Inborn genetic diseases. Last evaluated: 2022-12-24. Review status: criteria provided, single submitter. Criteria: Ambry Variant Classification Scheme 2023. Collection method: clinical testing. Allele origin: germline.
Comment: The p.S539A variant (also known as c.1615T>G), located in coding exon 12 of the ACD gene, results from a T to G substitution at nucleotide position 1615. The serine at codon 539 is replaced by alanine, an amino acid with similar properties. This amino acid position is conserved. In addition, this alteration is predicted to be tolerated by in silico analysis. Since supporting evidence is limited at this time, the clinical significance of this alteration remains unclear.